The following is an entry in ClinVar:

ClinVar aggregate classification (germline): Pathogenic/Likely pathogenic. Review status: criteria provided, multiple submitters, no conflicts (2 of 4 stars). 3 submissions from 3 submitters: Pathogenic (2); Likely pathogenic (1). Last evaluated 2024-08-16.

Conditions:
Schaaf-Yang syndrome (SHFYNG). Also called: MAGEL2-related Prader-Willi-like syndrome; Arthrogryposis, distal, with hypopituitarism, intellectual disability, and facial anomalies. Identifiers: Orphanet 398069, MedGen C5575066, MONDO:0014243, OMIM 615547.

Submissions (3):

Laboratorio de Genetica e Diagnostico Molecular, Hospital Israelita Albert Einstein
Classification: Likely pathogenic for Schaaf-Yang syndrome. Last evaluated: 2024-08-16. Review status: criteria provided, single submitter. Criteria: ACMG Guidelines, 2015. Collection method: clinical testing. Allele origin: germline. Affected: yes.
Comment: ACMG classification criteria: PVS1 very strong, PS4 supporting, PM2 supporting

Revvity Omics, Revvity
Classification: Pathogenic for Schaaf-Yang syndrome. Last evaluated: 2020-08-05. Review status: criteria provided, single submitter. Criteria: ACMG Guidelines, 2015. Collection method: clinical testing. Allele origin: germline.

GeneDx
Classification: Pathogenic. Last evaluated: 2020-05-27. Review status: criteria provided, single submitter. Criteria: GeneDx Variant Classification Process June 2021. Collection method: clinical testing. Allele origin: germline. Affected: yes.
Comment: Previously reported in in two individuals with Schaaf-Yang Syndrome (SYS); studies confirmed that the Q666X variant was on the paternally inherited allele in both individuals (McCarthy et al., 2018); Nonsense variant in the C-terminus predicted to result in protein truncation, as the last 584 amino acids are lost, and other loss-of-function variants have been reported downstream in the Human Gene Mutation Database (Stenson et al., 2014); Not observed in large population cohorts (Lek et al., 2016); This variant is associated with the following publications: (PMID: 30302899)

NM_019066.5(MAGEL2):c.1996C>T (p.Gln666Ter)

Gene: MAGEL2 (MAGE family member L2; minus strand). Cytogenetic location: 15q11.2.
Variant type: single nucleotide variant.
Coding change: c.1996C>T on transcript NM_019066.5 (MANE Select); coding-DNA position 1996, C replaced by T.
Protein change: p.Gln666Ter; replaces glutamine 666 with a stop codon.
Molecular consequence: nonsense.
Genome position (GRCh38, 1-based): chr15:23,645,747, G>A on the plus strand (C>T on the coding strand, the complement: MAGEL2 is on the minus strand). VCF-style: chr15-23645747-G-A. GRCh37 (hg19) VCF-style: chr15-23890894-G-A.
Other names: short protein forms Q666*.
Identifiers: ClinVar variation 265643 (VCV000265643.8), dbSNP rs752097874, ClinGen allele CA10588578.